The following is an entry in ClinVar:

ClinVar aggregate classification (germline): Uncertain significance (1 of 4 stars; one submission).

Conditions:
GJA3-related disorder. Also called: GJA3-related condition.

Submission:

PreventionGenetics, part of Exact Sciences
Classification: Uncertain significance for GJA3-related condition. Last evaluated: 2026-05-04. Review status: criteria provided, single submitter. Criteria: ACMG Guidelines, 2015. Collection method: clinical testing. Allele origin: germline.
Comment: The GJA3 c.564C>G variant is predicted to result in the amino acid substitution p.Asn188Lys. To our knowledge, this variant has not been reported in the literature. Alternate missense changes at the same amino acid position (p.Asn188Thr and p.Asn188Ile) have been reported in the heterozygous state and shown to segregate in families with congenital cataracts (Li et al. 2004. PubMed ID: 15448617; Zhang et al. 2012. PubMed ID: 22312188). Another missense change at the same amino acid position (p.Asn188Ser) has been reported in the homozygous state, inherited from unaffected parents, in an individual with congenital cataracts (Hassan et al. 2021. PubMed ID: 35008666). This variant is absent in a large population database (gnomAD), indicating this variant is rare. Although we suspect that this variant may be pathogenic, at this time, the clinical significance of this variant is uncertain due to the absence of conclusive functional and genetic evidence.

NM_021954.4(GJA3):c.564C>G (p.Asn188Lys)

Gene: GJA3 (gap junction protein alpha 3; minus strand). Cytogenetic location: 13q12.11.
Variant type: single nucleotide variant.
Coding change: c.564C>G on transcript NM_021954.4 (MANE Select); coding-DNA position 564, C replaced by G.
Protein change: p.Asn188Lys; replaces asparagine 188 with lysine.
Molecular consequence: missense variant.
Genome position (GRCh38, 1-based): chr13:20,142,725, G>C on the plus strand (C>G on the coding strand, the complement: GJA3 is on the minus strand). VCF-style: chr13-20142725-G-C. GRCh37 (hg19) VCF-style: chr13-20716864-G-C.
Other names: short protein forms N188K.
Identifiers: ClinVar variation 4983874 (VCV004983874.1).
Genomic context (GRCh38, chr13:20,142,725, plus strand): 5'-CAGCATGAAGATGATGAAGATGGTCTTCTCCGTGGGCCTGGAGATGAAGCAGTCCACCGT[G>C]TTGGGGCAGGGCCAGCGGTCGCAGCGGTAGAGCGGCTTCAGCTCGAAGCCGTACAGAAAG-3'
Protein context (NP_068773.2, residues 178-198): LYRCDRWPCP[Asn188Lys]TVDCFISRPT